The following is an entry in ClinVar:

NM_001458.5(FLNC):c.2121+181C>T

Gene: FLNC (filamin C; plus strand). Cytogenetic location: 7q32.1.
Variant type: single nucleotide variant.
Coding change: c.2121+181C>T on transcript NM_001458.5 (MANE Select); 181 bases into the intron after coding-DNA position 2121, C replaced by T.
Molecular consequence: intron variant.
Genome position (GRCh38, 1-based): chr7:128,841,748, C>T. VCF-style: chr7-128841748-C-T. GRCh37 (hg19) VCF-style: chr7-128481802-C-T.
Other names: c.2121+181C>T (NM_001127487.2).
Identifiers: ClinVar variation 670398 (VCV000670398.2), dbSNP rs79991372, ClinGen allele CA166217582.
Genomic context (GRCh38, chr7:128,841,748, plus strand): 5'-GGACTGATACTCATGGGCCCATCAGTACCATGGAAAATTTTAAATTTTGTGTTTTCTTAA[C>T]GATGATAACCTAAAAACGTATTTTACCAAAGAGTCATTTTTGTGCTAATTTGTAATTGAA-3'

ClinVar aggregate classification (germline): Benign. Review status: criteria provided, multiple submitters, no conflicts (2 of 4 stars). 2 submissions from 2 submitters: Benign (2). Last evaluated 2018-06-16.

Allele frequency attached by ClinVar (database versions not stated): 1000 Genomes Project 0.00998; 1000 Genomes Project 30x 0.01124; TOPMed 0.01527; gnomAD 0.02147 and 0.02239.
gnomAD v4.1: 3,250 of 152,278 alleles (2.1%); highest among the groups gnomAD compares: Non-Finnish European, 2.9%; 78 homozygotes.

Submissions (2):

GeneDx
Classification: Benign. Last evaluated: 2018-06-16. Review status: criteria provided, single submitter. Criteria: GeneDx Variant Classification (06012015). Collection method: clinical testing. Allele origin: germline. Affected: yes.
Comment: This variant is considered likely benign or benign based on one or more of the following criteria: it is a conservative change, it occurs at a poorly conserved position in the protein, it is predicted to be benign by multiple in silico algorithms, and/or has population frequency not consistent with disease.

Breakthrough Genomics
Classification: Benign. Review status: criteria provided, single submitter. Criteria: ACMG Guidelines, 2015. Collection method: not provided. Allele origin: germline. Inheritance: Autosomal dominant inheritance. Affected: yes.